The following is an entry in ClinVar:

ClinVar aggregate classification (germline): Likely pathogenic (1 of 4 stars; one submission).

Conditions:
Early-infantile DEE. Also called: Ohtahara syndrome; Early infantile epileptic encephalopathy with suppression bursts; Early infantile epileptic encephalopathy. Identifiers: Orphanet 1934, MedGen C0393706, MONDO:0800491.

Submission:

Labcorp Genetics (formerly Invitae), Labcorp
Classification: Likely pathogenic for Early-infantile DEE. Last evaluated: 2022-07-12. Review status: criteria provided, single submitter. Criteria: Invitae Variant Classification Sherloc (09022015). Collection method: clinical testing. Allele origin: germline.
Comment: Advanced modeling of protein sequence and biophysical properties (such as structural, functional, and spatial information, amino acid conservation, physicochemical variation, residue mobility, and thermodynamic stability) performed at Invitae indicates that this missense variant is expected to disrupt KCNQ2 protein function. This sequence change replaces isoleucine, which is neutral and non-polar, with methionine, which is neutral and non-polar, at codon 278 of the KCNQ2 protein (p.Ile278Met). This variant is not present in population databases (gnomAD no frequency). This variant has not been reported in the literature in individuals affected with KCNQ2-related conditions. ClinVar contains an entry for this variant (Variation ID: 1467031). This variant disrupts the p.Ile278 amino acid residue in KCNQ2. Other variant(s) that disrupt this residue have been determined to be pathogenic (PMID: 30109124, 31780880). This suggests that this residue is clinically significant, and that variants that disrupt this residue are likely to be disease-causing. In summary, the currently available evidence indicates that the variant is pathogenic, but additional data are needed to prove that conclusively. Therefore, this variant has been classified as Likely Pathogenic.

Literature cited by the submitters: PubMed 30109124; PubMed 31780880.

NM_172107.4(KCNQ2):c.834T>G (p.Ile278Met)

Gene: KCNQ2 (potassium voltage-gated channel subfamily Q member 2; minus strand). Cytogenetic location: 20q13.33.
Variant type: single nucleotide variant.
Coding change: c.834T>G on transcript NM_172107.4 (MANE Select); coding-DNA position 834, T replaced by G.
Protein change: p.Ile278Met; replaces isoleucine 278 with methionine.
Molecular consequence: missense variant.
Genome position (GRCh38, 1-based): chr20:63,439,691, A>C on the plus strand (T>G on the coding strand, the complement: KCNQ2 is on the minus strand). VCF-style: chr20-63439691-A-C. GRCh37 (hg19) VCF-style: chr20-62071044-A-C.
Other names: c.834T>G, p.Ile278Met (NM_001382235.1, NM_004518.6, NM_172106.3 and 2 more transcripts); short protein forms I278M.
Identifiers: ClinVar variation 1467031 (VCV001467031.9), dbSNP rs1272165811, ClinGen allele CA409652720.
Genomic context (GRCh38, chr20:63,439,691, plus strand): 5'-GGTGAAGGTTGCCGCAAGGAGCCTGCCGTTCCAGGTCTGGGGGTACTTGTCCCCGTAGCC[A>C]ATGGTGGTCAGCGTGATCTGTGGGACCGCAGGCTCTAGTCACACGAAGGGCCTGCTCACA-3'
Protein context (NP_742105.1, residues 268-288): LWWGLITLTT[Ile278Met]GYGDKYPQTW